The following is an entry in ClinVar:

NM_001267550.2(TTN):c.16275G>A (p.Gly5425=)

Gene: TTN (titin; minus strand). Cytogenetic location: 2q31.2.
Variant type: single nucleotide variant.
Coding change: c.16275G>A on transcript NM_001267550.2 (MANE Select); coding-DNA position 16275, G replaced by A.
Protein change: p.Gly5425=; no amino-acid change (glycine 5425 retained).
Molecular consequence: synonymous variant. On other transcripts: intron variant (3).
Genome position (GRCh38, 1-based): chr2:178,732,901, C>T on the plus strand (G>A on the coding strand, the complement: TTN is on the minus strand). VCF-style: chr2-178732901-C-T. GRCh37 (hg19) VCF-style: chr2-179597628-C-T.
Other names: c.15324G>A, p.Gly5108= (NM_001256850.1); c.12543G>A, p.Gly4181= (NM_133378.4); c.13282+5181G>A (NM_003319.4); c.13858+5181G>A (NM_133437.4); c.13657+5181G>A (NM_133432.3).
Identifiers: ClinVar variation 332927 (VCV000332927.37), dbSNP rs772821743, ClinGen allele CA2002064.

ClinVar aggregate classification (germline): Conflicting classifications of pathogenicity. Review status: criteria provided, conflicting classifications (1 of 4 stars). 8 submissions from 4 submitters: Uncertain significance (3); Benign (2); Likely benign (3). Last evaluated 2026-02-01.

Conditions:
Early-onset myopathy with fatal cardiomyopathy (CMYO5). Also called: CONGENITAL MYOPATHY 5 WITH CARDIOMYOPATHY; Salih Myopathy. Identifiers: Orphanet 289377, MedGen C2673677, MONDO:0012714, OMIM 611705. Disease mechanism: loss of function.
Autosomal recessive limb-girdle muscular dystrophy type 2J (LGMDR10). Also called: MUSCULAR DYSTROPHY, LIMB-GIRDLE, AUTOSOMAL RECESSIVE 10; Limb-girdle muscular dystrophy, type 2J. Identifiers: Orphanet 140922, MedGen C1837342, MONDO:0012127, OMIM 608807.
Dilated cardiomyopathy 1G (CMD1G). Identifiers: Orphanet 154, MedGen C1858763, MONDO:0011400, OMIM 604145.
Tibial muscular dystrophy (TMD). Also called: Udd Distal Myopathy – Tibial Muscular Dystrophy; UDD MYOPATHY; Tibial muscular dystrophy, tardive. Identifiers: Orphanet 609, MedGen C1838244, MONDO:0010870, OMIM 600334.
Myopathy, myofibrillar, 9, with early respiratory failure (MFM9). Also called: Myopathy, distal, with early respiratory failure, autosomal dominant; EDSTROM MYOPATHY; Hereditary myopathy with early respiratory failure; MYOPATHY, PROXIMAL, WITH EARLY RESPIRATORY MUSCLE INVOLVEMENT. Identifiers: Orphanet 178464, Orphanet 34521, MedGen C1863599, MONDO:0011362, OMIM 603689.

Allele frequency attached by ClinVar (database versions not stated): gnomAD below 0.00001 and 0.00001; gnomAD exomes 0.00001; ExAC 0.00003.
gnomAD v4.1: 23 of 1,613,256 alleles (0.0014%); highest among the groups gnomAD compares: South Asian, 0.012%; no homozygotes.

Submissions (8):

CeGaT Center for Human Genetics Tuebingen
Classification: Likely benign. Last evaluated: 2026-02-01. Review status: criteria provided, single submitter. Criteria: CeGaT Center For Human Genetics Tuebingen Variant Classification Criteria Version 2. Collection method: clinical testing. Allele origin: germline. Affected: yes. Observed: 3 variant alleles.
Comment: TTN: BP4, BP7

Labcorp Genetics (formerly Invitae), Labcorp
Classification: Likely benign for Dilated cardiomyopathy 1G; Autosomal recessive limb-girdle muscular dystrophy type 2J. Last evaluated: 2025-12-23. Review status: criteria provided, single submitter. Criteria: Invitae Variant Classification Sherloc (09022015). Collection method: clinical testing. Allele origin: germline.

GeneDx
Classification: Likely benign. Last evaluated: 2021-03-11. Review status: criteria provided, single submitter. Criteria: GeneDx Variant Classification Process June 2021. Collection method: clinical testing. Allele origin: germline. Affected: yes.

Illumina Laboratory Services, Illumina
Classification: Uncertain significance for Autosomal recessive limb-girdle muscular dystrophy type 2J. Last evaluated: 2018-01-13. Review status: criteria provided, single submitter. Criteria: ICSL Variant Classification Criteria 13 December 2019. Collection method: clinical testing. Allele origin: germline.

Illumina Laboratory Services, Illumina
Classification: Uncertain significance for Dilated cardiomyopathy 1G. Last evaluated: 2018-01-13. Review status: criteria provided, single submitter. Criteria: ICSL Variant Classification Criteria 13 December 2019. Collection method: clinical testing. Allele origin: germline.

Illumina Laboratory Services, Illumina
Classification: Benign for Myopathy, myofibrillar, 9, with early respiratory failure. Last evaluated: 2018-01-13. Review status: criteria provided, single submitter. Criteria: ICSL Variant Classification Criteria 13 December 2019. Collection method: clinical testing. Allele origin: germline.
Comment: This variant was observed in the ICSL laboratory as part of a predisposition screen in an ostensibly healthy population. It had not been previously curated by ICSL or reported in the Human Gene Mutation Database (HGMD: prior to June 1st, 2018), and was therefore a candidate for classification through an automated scoring system. Utilizing variant allele frequency, disease prevalence and penetrance estimates, and inheritance mode, an automated score was calculated to assess if this variant is too frequent to cause the disease. Based on the score and internal cut-off values, a variant classified as benign is not then subjected to further curation. The score for this variant resulted in a classification of benign for this disease.

Illumina Laboratory Services, Illumina
Classification: Benign for Tibial muscular dystrophy. Last evaluated: 2018-01-13. Review status: criteria provided, single submitter. Criteria: ICSL Variant Classification Criteria 13 December 2019. Collection method: clinical testing. Allele origin: germline.
Comment: the same text as in the submission from Illumina Laboratory Services, Illumina above.

Illumina Laboratory Services, Illumina
Classification: Uncertain significance for Early-onset myopathy with fatal cardiomyopathy. Last evaluated: 2018-01-13. Review status: criteria provided, single submitter. Criteria: ICSL Variant Classification Criteria 13 December 2019. Collection method: clinical testing. Allele origin: germline.